The following is an entry in ClinVar:

ClinVar aggregate classification (germline): Benign/Likely benign. Review status: criteria provided, multiple submitters, no conflicts (2 of 4 stars). 3 submissions from 3 submitters: Benign (2); Likely benign (1). Last evaluated 2021-05-14.

Conditions:
Hereditary spastic paraplegia 39 (SPG39). Also called: Spastic Paraplegia Type 39 (SPG39); SPASTIC PARAPLEGIA 39, AUTOSOMAL RECESSIVE. Identifiers: Orphanet 139480, MedGen C2677586, MONDO:0012787, OMIM 612020.

Allele frequency attached by ClinVar (database versions not stated): TOPMed 0.27819; 1000 Genomes Project 0.28614; gnomAD exomes 0.21359; gnomAD 0.27806 and 0.27892; 1000 Genomes Project 30x 0.28451.
gnomAD v4.1: 42,520 of 153,734 alleles (28%); highest among the groups gnomAD compares: Admixed American, 30%; 6,013 homozygotes.

Submissions (3):

GeneDx
Classification: Benign. Last evaluated: 2021-05-14. Review status: criteria provided, single submitter. Criteria: GeneDx Variant Classification Process June 2021. Collection method: clinical testing. Allele origin: germline. Affected: yes.

Illumina Laboratory Services, Illumina
Classification: Benign for Hereditary spastic paraplegia 39. Last evaluated: 2018-01-13. Review status: criteria provided, single submitter. Criteria: ICSL Variant Classification Criteria 13 December 2019. Collection method: clinical testing. Allele origin: germline.
Comment: This variant was observed in the ICSL laboratory as part of a predisposition screen in an ostensibly healthy population. It had not been previously curated by ICSL or reported in the Human Gene Mutation Database (HGMD: prior to June 1st, 2018), and was therefore a candidate for classification through an automated scoring system. Utilizing variant allele frequency, disease prevalence and penetrance estimates, and inheritance mode, an automated score was calculated to assess if this variant is too frequent to cause the disease. Based on the score and internal cut-off values, a variant classified as benign is not then subjected to further curation. The score for this variant resulted in a classification of benign for this disease.

Breakthrough Genomics
Classification: Likely benign. Review status: criteria provided, single submitter. Criteria: ACMG Guidelines, 2015. Collection method: not provided. Allele origin: germline. Inheritance: Autosomal recessive inheritance. Affected: yes.

NM_006702.5(PNPLA6):c.-96A>C

Gene: PNPLA6 (patatin like domain 6, lysophospholipase; plus strand). Cytogenetic location: 19p13.2.
Variant type: single nucleotide variant.
Coding change: c.-96A>C on transcript NM_006702.5; 96 bases upstream of the start codon, A replaced by C.
Molecular consequence: 5 prime UTR variant.
Genome position (GRCh38, 1-based): chr19:7,534,849, A>C. VCF-style: chr19-7534849-A-C. GRCh37 (hg19) VCF-style: chr19-7599735-A-C.
Other names: c.-96A>C (NM_001166111.2, NM_001166112.2); c.-172A>C (NM_001166113.1).
Identifiers: ClinVar variation 330509 (VCV000330509.10), dbSNP rs604959, ClinGen allele CA10652882.